The following is an entry in ClinVar:

NM_001080517.3(SETD5):c.3376C>G (p.Pro1126Ala)

Gene: SETD5 (SET domain containing 5; plus strand). Cytogenetic location: 3p25.3.
Variant type: single nucleotide variant.
Coding change: c.3376C>G on transcript NM_001080517.3 (MANE Select); coding-DNA position 3376, C replaced by G.
Protein change: p.Pro1126Ala; replaces proline 1126 with alanine.
Molecular consequence: missense variant.
Genome position (GRCh38, 1-based): chr3:9,473,416, C>G. VCF-style: chr3-9473416-C-G. GRCh37 (hg19) VCF-style: chr3-9515100-C-G.
Other names: c.3082C>G, p.Pro1028Ala (NM_001292043.2, NM_001349451.2); c.3472C>G, p.Pro1158Ala (NM_001437633.1); c.3490C>G, p.Pro1164Ala (NM_001437635.1); c.3433C>G, p.Pro1145Ala (NM_001437643.1); c.3415C>G, p.Pro1139Ala (NM_001437701.1); short protein forms P1028A, P1139A, P1164A, P1126A, P1158A, P1145A.
Identifiers: ClinVar variation 4743235 (VCV004743235.1).

ClinVar aggregate classification (germline): Uncertain significance (1 of 4 stars; one submission).

Submission:

Labcorp Genetics (formerly Invitae), Labcorp
Classification: Uncertain significance. Last evaluated: 2025-07-21. Review status: criteria provided, single submitter. Criteria: Invitae Variant Classification Sherloc (09022015). Collection method: clinical testing. Allele origin: germline.
Comment: This sequence change replaces proline, which is neutral and non-polar, with alanine, which is neutral and non-polar, at codon 1126 of the SETD5 protein (p.Pro1126Ala). This variant is not present in population databases (gnomAD no frequency). This variant has not been reported in the literature in individuals affected with SETD5-related conditions. Invitae Evidence Modeling of protein sequence and biophysical properties (such as structural, functional, and spatial information, amino acid conservation, physicochemical variation, residue mobility, and thermodynamic stability) indicates that this missense variant is not expected to disrupt SETD5 protein function with a negative predictive value of 80%. In summary, the available evidence is currently insufficient to determine the role of this variant in disease. Therefore, it has been classified as a Variant of Uncertain Significance.